The following is an entry in ClinVar:

NM_001110556.2(FLNA):c.6793G>A (p.Glu2265Lys)

Gene: FLNA (filamin A; minus strand). Cytogenetic location: Xq28.
Variant type: single nucleotide variant.
Coding change: c.6793G>A on transcript NM_001110556.2 (MANE Select); coding-DNA position 6793, G replaced by A.
Protein change: p.Glu2265Lys; replaces glutamic acid 2265 with lysine.
Molecular consequence: missense variant.
Genome position (GRCh38, 1-based): chrX:154,351,998, C>T on the plus strand (G>A on the coding strand, the complement: FLNA is on the minus strand). VCF-style: chrX-154351998-C-T. GRCh37 (hg19) VCF-style: chrX-153580366-C-T.
Other names: c.6769G>A, p.Glu2257Lys (NM_001456.4); short protein forms E2257K, E2265K.
Identifiers: ClinVar variation 1683531 (VCV001683531.2), dbSNP rs2148103563, ClinGen allele CA415186721.
Genomic context (GRCh38, chrX:154,351,998, plus strand): 5'-AAGAGATCTCAGCCTTGCTGGGGCCCTCGACAGCAATGGCCAGGCCTCCAGCACCAGCTT[C>T]CCGGGTCCAGATACTGAATTCGGCTGTGGGAGAACAGTTTGTCCTCACTGAAGGCTGCTT-3'
Protein context (NP_001104026.1, residues 2255-2275): VPAEFSIWTR[Glu2265Lys]AGAGGLAIAV

ClinVar aggregate classification (germline): Uncertain significance (1 of 4 stars; one submission).

Conditions:
Hearing impairment. Also called: Impaired Hearing. Identifiers: MedGen C1384666, MONDO:0005365, HP:0000365.
Abnormal heart morphology. Also called: Abnormality of cardiac morphology; Heart, malformation of. Identifiers: MedGen C0018798, MeSH D006330, HP:0001627.
Thrombocytopenia. Identifiers: MedGen C0040034, MeSH D013921, MONDO:0002049, HP:0001873.
Flexion contracture. Also called: Flexion deformity; Contracture; Contractures. Identifiers: MedGen C0333068, HP:0001371.

Submission:

Laboratorio de Genetica e Diagnostico Molecular, Hospital Israelita Albert Einstein
Classification: Uncertain significance for Thrombocytopenia; Hearing impairment; Abnormal heart morphology; Flexion contracture. Last evaluated: 2021-05-10. Review status: criteria provided, single submitter. Criteria: ACMG Guidelines, 2015. Collection method: clinical testing. Allele origin: germline. Affected: yes.
Comment: ACMG classification criteria: PM2, PP3